The following is an entry in ClinVar:

NM_006709.5(EHMT2):c.2648_2649del (p.Glu883fs)

Gene: EHMT2 (euchromatic histone lysine methyltransferase 2; minus strand). Cytogenetic location: 6p21.33.
Variant type: Microsatellite.
Coding change: c.2648_2649del on transcript NM_006709.5 (MANE Select); coding-DNA positions 2648 to 2649, 2 bases deleted (AG; older notation c.2648_2649delAG).
Protein change: p.Glu883fs; shifts the reading frame from glutamic acid 883.
Molecular consequence: frameshift variant.
Genome position (GRCh38, 1-based): chr6:31,884,514-31,884,515, CT deleted on the plus strand (AG on the coding strand, the reverse complement: EHMT2 is on the minus strand); deleting any 2 consecutive bases within chr6:31,884,514-31,884,517 gives the same sequence; the c. name uses the placement nearest the transcript's 3' end. VCF-style (leftmost placement, unchanged base first): chr6-31884513-CCT-C. GRCh37 (hg19) VCF-style: chr6-31852290-CCT-C.
Other names: c.2669_2670del, p.Glu890fs (NM_001395160.1); c.2585_2586del, p.Glu862fs (NM_001395161.1); c.2648_2649del, p.Glu883fs (NM_001395162.1); c.2567_2568del, p.Glu856fs (NM_001395163.1); c.2543_2544del, p.Glu848fs (NM_001395164.1); c.2390_2391del, p.Glu797fs (NM_001395165.1); c.2546_2547del, p.Glu849fs (NM_025256.7); c.2717_2718del, p.Glu906fs (NM_001289413.2); and 2 more; short protein forms E681fs, E797fs, E848fs, E849fs, E856fs, E862fs, E883fs, E890fs.
Identifiers: ClinVar variation 4813202 (VCV004813202.1).

ClinVar aggregate classification (germline): Uncertain significance (1 of 4 stars; one submission).

Conditions:
Syndromic neurodevelopmental disorder.

Submission:

Laboratory of Human Genetics, Universidade de São Paulo
Classification: Uncertain significance for syndromic neurodevelopmental disorder. Last evaluated: 2026-02-01. Review status: criteria provided, single submitter. Criteria: ACMG Guidelines, 2015. Collection method: clinical testing. Allele origin: germline. Inheritance: Autosomal recessive inheritance. Affected: yes. Observed: 1 variant allele, 1 heterozygote.
Comment: This frameshift variant is predicted to result in loss of normal protein function. Genome-wide DNA methylation profiling showed episignature overlap with Kleefstra syndrome type 1. However, given that EHMT2 is an emerging candidate gene with limited case evidence to date, this variant is currently classified as a Variant of Uncertain Significance.

Literature cited by the submitters: PubMed 39674972.